The following is an entry in ClinVar:

ClinVar aggregate classification (germline): Uncertain significance (1 of 4 stars; one submission).

Submission:

Women's Health and Genetics/Laboratory Corporation of America, LabCorp
Classification: Uncertain significance. Last evaluated: 2022-06-20. Review status: criteria provided, single submitter. Criteria: LabCorp Variant Classification Summary - May 2015. Collection method: clinical testing. Allele origin: germline.
Comment: Variant summary: The variant identified by MLPA or other technology involves the duplication of the full coding sequence of the BRCA2 gene. A presumed nomenclature of c.(?_-228)_(*903_?)dup has been designated for the purposes of this classification. It has been assumed that this is a tandem duplication in direct orientation (Richardson_GIM_2018, Newman_AJHG_2015). Since the exact breakpoints of this duplication are not known, it might extend beyond the assayed region of the BRCA2 gene, including other flanking genes. The variant was absent in 21692 control chromosomes (gnomAD). The available data on variant occurrences in the general population are insufficient to allow any conclusion about variant significance. To our knowledge, no occurrence of c.(?_-228)_(*903_?)dup in individuals affected with Hereditary Breast And Ovarian Cancer Syndrome and no experimental evidence demonstrating its impact on protein function have been reported. One ClinVar submitter has assessed the variant since 2014: it was classified as of uncertain significance. Based on the evidence outlined above, the variant was classified as uncertain significance.

NC_000013.10:g.(?_32889616)_(32973810_?)dup

Gene: BRCA2 (BRCA2 DNA repair associated; plus strand). Cytogenetic location: 13q13.1.
Variant type: Duplication.
Identifiers: ClinVar variation 1698587 (VCV001698587.1).